The following is an entry in ClinVar:

ClinVar aggregate classification (germline): Pathogenic (1 of 4 stars; one submission).

Conditions:
Inborn genetic diseases. Identifiers: MedGen C0950123, MeSH D030342.

Submission:

Ambry Genetics
Classification: Pathogenic for Inborn genetic diseases. Last evaluated: 2023-07-05. Review status: criteria provided, single submitter. Criteria: Ambry Variant Classification Scheme 2023. Collection method: clinical testing. Allele origin: germline.
Comment: The c.1828G>T (p.E610*) alteration, located in exon 8 (coding exon 6) of the QRICH1 gene, consists of a G to T substitution at nucleotide position 1828. This changes the amino acid from a glutamic acid (E) to a stop codon at amino acid position 610. This alteration is expected to result in loss of function by premature protein truncation or nonsense-mediated mRNA decay. This variant was not reported in population-based cohorts in the Genome Aggregation Database (gnomAD). Based on the available evidence, this alteration is classified as pathogenic.

NM_198880.3(QRICH1):c.1828G>T (p.Glu610Ter)

Gene: QRICH1 (glutamine rich 1; minus strand). Cytogenetic location: 3p21.31.
Variant type: single nucleotide variant.
Coding change: c.1828G>T on transcript NM_198880.3 (MANE Select); coding-DNA position 1828, G replaced by T.
Protein change: p.Glu610Ter; replaces glutamic acid 610 with a stop codon.
Molecular consequence: nonsense.
Genome position (GRCh38, 1-based): chr3:49,033,187, C>A on the plus strand (G>T on the coding strand, the complement: QRICH1 is on the minus strand). VCF-style: chr3-49033187-C-A. GRCh37 (hg19) VCF-style: chr3-49070620-C-A.
Other names: c.1828G>T, p.Glu610Ter (NM_001320580.2, NM_001320581.2, NM_001320582.2 and 4 more transcripts); short protein forms E610*.
Identifiers: ClinVar variation 2603789 (VCV002603789.2), dbSNP rs2471650800, ClinGen allele CA352754236.